The following is an entry in ClinVar:

ClinVar aggregate classification (germline): Conflicting classifications of pathogenicity. Review status: criteria provided, conflicting classifications (1 of 4 stars). 3 submissions from 3 submitters: Pathogenic (1); Likely pathogenic (1); Uncertain significance (1). Last evaluated 2024-12-11.

Conditions:
Intellectual disability. Also called: intellectual disabilities; Intellectual functioning disability; Intellectual developmental disorder. Identifiers: MedGen C3714756, MeSH D008607, MONDO:0001071, HP:0001249.

Submissions (3):

GeneDx
Classification: Uncertain significance. Last evaluated: 2024-12-11. Review status: criteria provided, single submitter. Criteria: GeneDx Variant Classification Process June 2021. Collection method: clinical testing. Allele origin: germline. Affected: yes.
Comment: Not observed at significant frequency in large population cohorts (gnomAD); In silico analysis supports that this missense variant has a deleterious effect on protein structure/function; Has not been previously published as pathogenic or benign to our knowledge

Department of Genetics, Rouen University Hospital, Normandy Center for Genomic and Personalized Medicine
Classification: Likely pathogenic for Intellectual disability. Last evaluated: 2016-05-17. Review status: criteria provided, single submitter. Criteria: ACMG Guidelines, 2015. Collection method: clinical testing. Allele origin: de novo. Affected: yes.

Laboratoire de Génétique Moléculaire, CHU Bordeaux
Classification: Pathogenic. Review status: criteria provided, single submitter. Criteria: ACMG Guidelines, 2015. Collection method: clinical testing. Allele origin: germline. Affected: yes.

NM_018486.3(HDAC8):c.466A>G (p.Asn156Asp)

Gene: HDAC8 (histone deacetylase 8; minus strand). Cytogenetic location: Xq13.1.
Variant type: single nucleotide variant.
Coding change: c.466A>G on transcript NM_018486.3 (MANE Select); coding-DNA position 466, A replaced by G.
Protein change: p.Asn156Asp; replaces asparagine 156 with aspartic acid.
Molecular consequence: missense variant. On other transcripts: non-coding transcript variant (1).
Genome position (GRCh38, 1-based): chrX:72,495,240, T>C on the plus strand (A>G on the coding strand, the complement: HDAC8 is on the minus strand). VCF-style: chrX-72495240-T-C. GRCh37 (hg19) VCF-style: chrX-71715090-T-C.
Other names: c.193A>G, p.Asn65Asp (NM_001166418.2, NM_001166448.2); c.466A>G, p.Asn156Asp (NM_001166419.2); short protein forms N156D, N65D.
Identifiers: ClinVar variation 691250 (VCV000691250.3), dbSNP rs1603083434, ClinGen allele CA413640241.